The following is an entry in ClinVar:

ClinVar aggregate classification (germline): Uncertain significance (1 of 4 stars; one submission).

Conditions:
Myoclonic dystonia 11 (DYT11). Also called: Myoclonic dystonia; Dystonia 11; DYT-SGCE; Dystonia, alcohol responsive; Hereditary essential myoclonus; SGCE Myoclonus-Dystonia. Identifiers: Orphanet 36899, MedGen C1834570, MONDO:0008044, OMIM 159900.

Allele frequency attached by ClinVar (database versions not stated): gnomAD exomes below 0.00001.
gnomAD v4.1: 1 of 1,610,930 alleles (0.000062%); highest among the groups gnomAD compares: Admixed American, 0.0017%; no homozygotes.

Submission:

Labcorp Genetics (formerly Invitae), Labcorp
Classification: Uncertain significance for Myoclonic dystonia 11. Last evaluated: 2021-04-28. Review status: criteria provided, single submitter. Criteria: Invitae Variant Classification Sherloc (09022015). Collection method: clinical testing. Allele origin: germline.
Comment: In summary, the available evidence is currently insufficient to determine the role of this variant in disease. Therefore, it has been classified as a Variant of Uncertain Significance. Algorithms developed to predict the effect of missense changes on protein structure and function are either unavailable or do not agree on the potential impact of this missense change (SIFT: "Deleterious"; PolyPhen-2: "Benign"; Align-GVGD: "Class C0"). This variant has not been reported in the literature in individuals with SGCE-related conditions. This variant is not present in population databases (ExAC no frequency). This sequence change replaces serine with leucine at codon 53 of the SGCE protein (p.Ser53Leu). The serine residue is highly conserved and there is a large physicochemical difference between serine and leucine.

NM_003919.3(SGCE):c.158C>T (p.Ser53Leu)

Genes: CASD1 (CAS1 domain sialic acid O acetyltransferase 1; plus strand), SGCE (sarcoglycan epsilon; minus strand). Cytogenetic location: 7q21.3.
Variant type: single nucleotide variant.
Coding change: c.158C>T on transcript NM_003919.3 (MANE Select); coding-DNA position 158, C replaced by T.
Protein change: p.Ser53Leu; replaces serine 53 with leucine.
Molecular consequence: missense variant. On other transcripts: 5 prime UTR variant (2), intron variant (2).
Genome position (GRCh38, 1-based): chr7:94,629,793, G>A on the plus strand (C>T on the coding strand, the complement: SGCE is on the minus strand). VCF-style: chr7-94629793-G-A. GRCh37 (hg19) VCF-style: chr7-94259105-G-A.
Other names: c.158C>T, p.Ser53Leu (NM_001099400.2, NM_001099401.2, NM_001346717.2); c.266C>T, p.Ser89Leu (NM_001346713.2, NM_001346715.2); c.71C>T, p.Ser24Leu (NM_001346719.2, NM_001362807.2); c.-116C>T (NM_001346720.2, NM_001362808.2); c.110-1434C>T (NM_001362809.2, NM_001301139.2); short protein forms S89L, S24L, S53L.
Identifiers: ClinVar variation 840532 (VCV000840532.9), dbSNP rs1231727428, ClinGen allele CA368239413.